The following is an entry in ClinVar:

ClinVar aggregate classification (germline): Uncertain significance (1 of 4 stars; one submission).

Submission:

Labcorp Genetics (formerly Invitae), Labcorp
Classification: Uncertain significance. Last evaluated: 2023-01-13. Review status: criteria provided, single submitter. Criteria: Invitae Variant Classification Sherloc (09022015). Collection method: clinical testing. Allele origin: germline.
Comment: Algorithms developed to predict the effect of missense changes on protein structure and function are either unavailable or do not agree on the potential impact of this missense change (SIFT: "Deleterious"; PolyPhen-2: "Possibly Damaging"; Align-GVGD: "Class C15"). In summary, the available evidence is currently insufficient to determine the role of this variant in disease. Therefore, it has been classified as a Variant of Uncertain Significance. This variant has not been reported in the literature in individuals affected with SON-related conditions. This sequence change replaces arginine, which is basic and polar, with serine, which is neutral and polar, at codon 10 of the SON protein (p.Arg10Ser). This variant is not present in population databases (gnomAD no frequency).

NM_138927.4(SON):c.30G>C (p.Arg10Ser)

Gene: SON (SON DNA and RNA binding protein; plus strand). Cytogenetic location: 21q22.11.
Variant type: single nucleotide variant.
Coding change: c.30G>C on transcript NM_138927.4 (MANE Select); coding-DNA position 30, G replaced by C.
Protein change: p.Arg10Ser; replaces arginine 10 with serine.
Molecular consequence: missense variant. On other transcripts: non-coding transcript variant (1).
Genome position (GRCh38, 1-based): chr21:33,543,122, G>C. VCF-style: chr21-33543122-G-C. GRCh37 (hg19) VCF-style: chr21-34915428-G-C.
Other names: c.30G>C, p.Arg10Ser (NM_001291411.2, NM_001291412.3, NM_001412132.1 and 4 more transcripts); short protein forms R10S.
Identifiers: ClinVar variation 2826804 (VCV002826804.3), dbSNP rs2085498215, ClinGen allele CA410148436.
Genomic context (GRCh38, chr21:33,543,122, plus strand): 5'-GAGGAGGAGTTGAGAGAACGGAGCGGACGCCATGGCGACCAACATCGAGCAGATTTTTAG[G>C]TCTTTCGTGGTCAGTAAATTCCGGGAAATTCAACAGGAGCTTTCCAGGTAAACGCCTCCC-3'
Protein context (NP_620305.3, residues 1-20): MATNIEQIF[Arg10Ser]SFVVSKFREI